The following is an entry in ClinVar:

NM_000435.3(NOTCH3):c.2835G>A (p.Ser945=)

Gene: NOTCH3 (notch receptor 3; minus strand). Cytogenetic location: 19p13.12.
Variant type: single nucleotide variant.
Coding change: c.2835G>A on transcript NM_000435.3 (MANE Select); coding-DNA position 2835, G replaced by A.
Protein change: p.Ser945=; no amino-acid change (serine 945 retained).
Molecular consequence: synonymous variant.
Genome position (GRCh38, 1-based): chr19:15,181,120, C>T on the plus strand (G>A on the coding strand, the complement: NOTCH3 is on the minus strand). VCF-style: chr19-15181120-C-T. GRCh37 (hg19) VCF-style: chr19-15291931-C-T.
Other names: p.Ser945=.
Identifiers: ClinVar variation 772248 (VCV000772248.22), dbSNP rs141346023, ClinGen allele CA9263248.
Genomic context (GRCh38, chr19:15,181,120, plus strand): 5'-GGGGTCTGCCTCATGTTGGCAGTGGGCTCCTGTGTAGCCGGGACGGCACAGGCAGCTGAA[C>T]GAGTTCACGCCGTCCACACAGGTCCCGCCATTGAAGCAGGAGCTGGAGCGGAAGGAGTGG-3'
Protein context (NP_000426.2, residues 935-955): NGGTCVDGVN[Ser945=]FSCLCRPGYT

ClinVar aggregate classification (germline): Benign/Likely benign. Review status: criteria provided, multiple submitters, no conflicts (2 of 4 stars). 8 submissions from 8 submitters: Benign (3); Likely benign (3). 2 of the submissions do not count toward it. Last evaluated 2025-10-15.

Allele frequency attached by ClinVar (database versions not stated): gnomAD exomes 0.00007 and 0.00023; ExAC 0.00039; gnomAD 0.00076 and 0.00081; TOPMed 0.00090; 1000 Genomes Project 30x 0.00094; 1000 Genomes Project 0.00100; ESP Exome Variant Server 0.00115.
gnomAD v4.1: 240 of 1,608,770 alleles (0.015%); highest among the groups gnomAD compares: African/African-American, 0.23%; no homozygotes.

Submissions (8):

Women's Health and Genetics/Laboratory Corporation of America, LabCorp
Classification: Likely benign. Last evaluated: 2025-10-15. Review status: criteria provided, single submitter. Criteria: LabCorp Variant Classification Summary - May 2015. Collection method: clinical testing. Allele origin: germline.

Labcorp Genetics (formerly Invitae), Labcorp
Classification: Benign. Last evaluated: 2025-10-07. Review status: criteria provided, single submitter. Criteria: Invitae Variant Classification Sherloc (09022015). Collection method: clinical testing. Allele origin: germline.

Mayo Clinic Laboratories, Mayo Clinic
Classification: Likely benign. Last evaluated: 2025-07-16. Review status: criteria provided, single submitter. Criteria: ACMG Guidelines, 2015. Collection method: clinical testing. Allele origin: germline. Observed: 4 variant alleles.
Comment: BS1, BP4, BP7

Athena Diagnostics
Classification: Benign. Last evaluated: 2025-07-02. Review status: criteria provided, single submitter. Criteria: Athena Diagnostics Criteria. Collection method: clinical testing. Allele origin: unknown.
Comment: The frequency of this variant in the general population is higher than would generally be expected for pathogenic variants in this gene.

Blueprint Genetics
Classification: Likely benign. Last evaluated: 2024-03-27. Review status: criteria provided, single submitter. Criteria: ACMG Guidelines, 2015. Collection method: clinical testing. Allele origin: germline.

ARUP Laboratories, Molecular Genetics and Genomics, ARUP Laboratories
Classification: Benign. Last evaluated: 2019-03-01. Review status: criteria provided, single submitter. Criteria: ARUP Molecular Germline Variant Investigation Process. Collection method: clinical testing. Allele origin: germline.

Genome Diagnostics Laboratory, Amsterdam University Medical Center
Classification: Likely benign. Review status: no assertion criteria provided. Collection method: clinical testing. Allele origin: germline. Affected: yes. Study: VKGL Data-share Consensus. Not counted in ClinVar's aggregate classification.

Laboratory of Diagnostic Genome Analysis, Leiden University Medical Center (LUMC)
Classification: Likely benign. Review status: no assertion criteria provided. Collection method: clinical testing. Allele origin: germline. Affected: yes. Study: VKGL Data-share Consensus. Not counted in ClinVar's aggregate classification.